The following is an entry in ClinVar:

NM_001372.4(DNAH9):c.12660G>T (p.Lys4220Asn)

Gene: DNAH9 (dynein axonemal heavy chain 9; plus strand). Cytogenetic location: 17p12.
Variant type: single nucleotide variant.
Coding change: c.12660G>T on transcript NM_001372.4 (MANE Select); coding-DNA position 12660, G replaced by T.
Protein change: p.Lys4220Asn; replaces lysine 4220 with asparagine.
Molecular consequence: missense variant.
Genome position (GRCh38, 1-based): chr17:11,937,522, G>T. VCF-style: chr17-11937522-G-T. GRCh37 (hg19) VCF-style: chr17-11840839-G-T.
Other names: c.1596G>T, p.Lys532Asn (NM_004662.2); short protein forms K4220N, K532N.
Identifiers: ClinVar variation 1960544 (VCV001960544.2), dbSNP rs1381055802, ClinGen allele CA398214047.

ClinVar aggregate classification (germline): Uncertain significance (1 of 4 stars; one submission).

Allele frequency attached by ClinVar (database versions not stated): TOPMed below 0.00001; gnomAD 0.00001.
gnomAD v4.1: 6 of 1,610,064 alleles (0.00037%); highest among the groups gnomAD compares: Non-Finnish European, 0.00051%; no homozygotes.

Submission:

Labcorp Genetics (formerly Invitae), Labcorp
Classification: Uncertain significance. Last evaluated: 2022-01-28. Review status: criteria provided, single submitter. Criteria: Invitae Variant Classification Sherloc (09022015). Collection method: clinical testing. Allele origin: germline.
Comment: This sequence change replaces lysine, which is basic and polar, with asparagine, which is neutral and polar, at codon 4220 of the DNAH9 protein (p.Lys4220Asn). This variant also falls at the last nucleotide of exon 66, which is part of the consensus splice site for this exon. This variant is not present in population databases (gnomAD no frequency). This variant has not been reported in the literature in individuals affected with DNAH9-related conditions. Algorithms developed to predict the effect of missense changes on protein structure and function are either unavailable or do not agree on the potential impact of this missense change (SIFT: "Tolerated"; PolyPhen-2: "Possibly Damaging"; Align-GVGD: "Class C0"). Variants that disrupt the consensus splice site are a relatively common cause of aberrant splicing (PMID: 17576681, 9536098). Algorithms developed to predict the effect of sequence changes on RNA splicing suggest that this variant may disrupt the consensus splice site. In summary, the available evidence is currently insufficient to determine the role of this variant in disease. Therefore, it has been classified as a Variant of Uncertain Significance.

Literature cited by the submitters: PubMed 17576681; PubMed 9536098.